The following continues an entry in ClinVar:

NM_000535.7(PMS2):c.2356C>A (p.Leu786Met)

Gene: PMS2. ClinVar aggregate classification (germline): Conflicting classifications of pathogenicity. Uncertain significance (2); Benign (10); Likely benign (6).

Submissions 21 to 22 of 22:

Department of Pathology and Laboratory Medicine, Sinai Health System
Classification: Likely benign. Review status: no assertion criteria provided. Collection method: clinical testing. Allele origin: unknown. Affected: yes. Observed: 1 variant allele. Study: The Canadian Open Genetics Repository (COGR). Not counted in ClinVar's aggregate classification.
Comment: The PMS2 p.Leu786Met variant was not identified in the literature nor was it identified in the COGR, MutDB, Insight Colon Cancer Gene Variant, Zhejiang Colon Cancer, Mismatch Repair Genes Variant, and the Insight Hereditary Tumors databases. Furthermore, the variant was not identified in the NHLBI GO Exome Sequencing Project. The variant was identified in dbSNP (ID: rs576055272) as with other allele, in the ClinVar and Clinvitae databases as benign by Invitae and Quest Diagnostics Nichols Institute San Juan Capistrano; as likely benign by Ambry Genetics and Prevention Genetics; and as uncertain significance by GeneDx. In addition, the variant was identified in the Cosmic database 1X as pathogenic in a lobular carcinoma and in the 1000 Genomes Project in 9 of 5000 chromosomes (frequency: 0.002). The variant was further identified in control databases in 287 of 244884 chromosomes (10 homozygous) at a frequency of 0.001 increasing the likelihood that this could be a low frequency benign variant (Genome Aggregation Database Feb 27, 2017). It was observed in the following populations: African in 1 of 15242 chromosomes (freq: 0.00007), Other in 1 of 5466 chromosomes (freq: 0.0002), Latino in 3 of 33562 chromosomes (freq: 0.00009), European Non-Finnish in 15 of 110756 chromosomes (freq: 0.0001), East Asian in 1 of 17174 chromosomes (freq: 0.00006), and South Asian in 266 of 30658 chromosomes (freq: 0.009); it was not observed in the Ashkenazi Jewish and European Finnish, populations. The p.Leu786 residue is not conserved in mammals and computational analyses (PolyPhen-2, SIFT, AlignGVGD, BLOSUM, MutationTaster) provide inconsistent predictions regarding the impact to the protein; this information is not very predictive of pathogenicity. The variant occurs outside of the splicing consensus sequence and in silico or computational prediction software programs (SpliceSiteFinder, MaxEntScan, NNSPLICE, GeneSplicer, HumanSpliceFinder) do not predict a difference in splicing. In summary, based on the above information the clinical significance of this variant cannot be determined with certainty at this time. This variant is classified as likely benign.

Laboratory of Diagnostic Genome Analysis, Leiden University Medical Center (LUMC)
Classification: Likely benign. Review status: no assertion criteria provided. Collection method: clinical testing. Allele origin: germline. Affected: yes. Study: VKGL Data-share Consensus. Not counted in ClinVar's aggregate classification.

Literature cited by the submitters: PubMed 20205264 (cited by 3 submitters); PubMed 27878467 (cited by Quest Diagnostics Nichols Institute San Juan Capistrano and Women's Health and Genetics/Laboratory Corporation of America, LabCorp); PubMed 26689913 (cited by 3 submitters); PubMed 25186627 (cited by 3 submitters); PubMed 31159747 (cited by Quest Diagnostics Nichols Institute San Juan Capistrano); PubMed 33471991 (cited by Quest Diagnostics Nichols Institute San Juan Capistrano); PubMed 34326862 (cited by Quest Diagnostics Nichols Institute San Juan Capistrano); PubMed 36793599 (cited by Quest Diagnostics Nichols Institute San Juan Capistrano); PubMed 22949387 (cited by Counsyl).